The following is an entry in ClinVar:

ClinVar aggregate classification (germline): Uncertain significance (1 of 4 stars; one submission).

Conditions:
Charcot-Marie-Tooth disease axonal type 2C (HMSN2C). Also called: Charcot-Marie-Tooth Disease Type 2, TRPV4-Related (CMT2C); CHARCOT-MARIE-TOOTH DISEASE, AXONAL, AUTOSOMAL DOMINANT, TYPE 2C; Charcot-Marie-Tooth Neuropathy Type 2C. Identifiers: Orphanet 99937, MedGen C1853710, MONDO:0011633, OMIM 606071.

Submission:

Labcorp Genetics (formerly Invitae), Labcorp
Classification: Uncertain significance for Charcot-Marie-Tooth disease axonal type 2C. Last evaluated: 2023-08-14. Review status: criteria provided, single submitter. Criteria: Invitae Variant Classification Sherloc (09022015). Collection method: clinical testing. Allele origin: germline.
Comment: This sequence change replaces glutamine, which is neutral and polar, with glutamic acid, which is acidic and polar, at codon 141 of the TRPV4 protein (p.Gln141Glu). This variant is not present in population databases (gnomAD no frequency). In summary, the available evidence is currently insufficient to determine the role of this variant in disease. Therefore, it has been classified as a Variant of Uncertain Significance. Advanced modeling of protein sequence and biophysical properties (such as structural, functional, and spatial information, amino acid conservation, physicochemical variation, residue mobility, and thermodynamic stability) performed at Invitae indicates that this missense variant is not expected to disrupt TRPV4 protein function. This variant has not been reported in the literature in individuals affected with TRPV4-related conditions.

NM_021625.5(TRPV4):c.421C>G (p.Gln141Glu)

Gene: TRPV4 (transient receptor potential cation channel subfamily V member 4; minus strand). Cytogenetic location: 12q24.11.
Variant type: single nucleotide variant.
Coding change: c.421C>G on transcript NM_021625.5 (MANE Select); coding-DNA position 421, C replaced by G.
Protein change: p.Gln141Glu; replaces glutamine 141 with glutamic acid.
Molecular consequence: missense variant.
Genome position (GRCh38, 1-based): chr12:109,808,434, G>C on the plus strand (C>G on the coding strand, the complement: TRPV4 is on the minus strand). VCF-style: chr12-109808434-G-C. GRCh37 (hg19) VCF-style: chr12-110246239-G-C.
Other names: c.421C>G, p.Gln141Glu (NM_001177428.2, NM_001177433.2, NM_147204.3); c.319C>G, p.Gln107Glu (NM_001177431.2); short protein forms Q107E, Q141E.
Identifiers: ClinVar variation 2750692 (VCV002750692.3), dbSNP rs1237174071, ClinGen allele CA386657366.